The following is an entry in ClinVar:

NM_001999.4(FBN2):c.4340G>A (p.Cys1447Tyr)

Gene: FBN2 (fibrillin 2; minus strand). Cytogenetic location: 5q23.3.
Variant type: single nucleotide variant.
Coding change: c.4340G>A on transcript NM_001999.4 (MANE Select); coding-DNA position 4340, G replaced by A.
Protein change: p.Cys1447Tyr; replaces cysteine 1447 with tyrosine.
Molecular consequence: missense variant.
Genome position (GRCh38, 1-based): chr5:128,330,578, C>T on the plus strand (G>A on the coding strand, the complement: FBN2 is on the minus strand). VCF-style: chr5-128330578-C-T. GRCh37 (hg19) VCF-style: chr5-127666270-C-T.
Other names: short protein forms C1447Y.
Identifiers: ClinVar variation 1524703 (VCV001524703.6), dbSNP rs2126888942, ClinGen allele CA360753810.
Genomic context (GRCh38, chr5:128,330,578, plus strand): 5'-ATATAGAGTGTTCTATGACCATCCCGTCAGAGCACACCTCAGGACTGTCACCCACCTGAG[C>T]AGGTAAAGCCATCACCAGTGAAACCTTCGGAGCAGGCACAGCGGTATGAGCCCGGGGTAT-3'
Protein context (NP_001990.2, residues 1437-1457): SEGFTGDGFT[Cys1447Tyr]SDVDECAENI

ClinVar aggregate classification (germline): Likely pathogenic (1 of 4 stars; one submission).

Conditions:
Congenital contractural arachnodactyly (CCA). Also called: Beals-Hecht syndrome; Arthrogryposis, distal, type 9; BEALS SYNDROME. Identifiers: Orphanet 115, MedGen C0220668, MONDO:0007363, OMIM 121050.

Submission:

Labcorp Genetics (formerly Invitae), Labcorp
Classification: Likely pathogenic for Congenital contractural arachnodactyly. Last evaluated: 2020-12-01. Review status: criteria provided, single submitter. Criteria: Invitae Variant Classification Sherloc (09022015). Collection method: clinical testing. Allele origin: germline.
Comment: In summary, the currently available evidence indicates that the variant is pathogenic, but additional data are needed to prove that conclusively. Therefore, this variant has been classified as Likely Pathogenic. This variant affects a cysteine residue located within an epidermal growth factor (EGF)–like domain of the FBN2 protein. Cysteine residues in these domains are involved in the formation of disulfide bridges critical for protein structure and stability (PMID: 3495735, 4750422, 16677079). In addition, missense substitutions within the FBN2 EGF-like domains affecting cysteine residues are overrepresented in patients with congenital contractural arachnodactyly (PMID: 18767143). Advanced modeling of protein sequence and biophysical properties (such as structural, functional, and spatial information, amino acid conservation, physicochemical variation, residue mobility, and thermodynamic stability) performed at Invitae indicates that this missense variant is expected to disrupt FBN2 protein function. This variant has not been reported in the literature in individuals with FBN2-related conditions. This variant is not present in population databases (ExAC no frequency). This sequence change replaces cysteine with tyrosine at codon 1447 of the FBN2 protein (p.Cys1447Tyr). The cysteine residue is highly conserved and there is a large physicochemical difference between cysteine and tyrosine.

Literature cited by the submitters: PubMed 3495735; PubMed 4750422; PubMed 16677079; PubMed 18767143.